The following is an entry in ClinVar:

ClinVar aggregate classification (germline): Uncertain significance. Review status: criteria provided, multiple submitters, no conflicts (2 of 4 stars). 4 submissions from 4 submitters: Uncertain significance (4). Last evaluated 2025-10-22.

Conditions:
Cardiovascular phenotype. Identifiers: MedGen CN230736.
Hereditary cancer-predisposing syndrome. Also called: Hereditary neoplastic syndrome; Neoplastic Syndromes, Hereditary; Tumor predisposition; Hereditary Cancer Syndrome. Identifiers: Orphanet 140162, MedGen C0027672, MeSH D009386, MONDO:0015356.
Neurofibromatosis, type 1 (NF1). Also called: VON RECKLINGHAUSEN DISEASE; Peripheral type neurofibromatosis; NEUROFIBROMATOSIS, TYPE I, SOMATIC; Neurofibromatosis, type I. Identifiers: Orphanet 636, MedGen C0027831, MONDO:0018975, OMIM 162200. Disease mechanism: loss of function.

Allele frequency attached by ClinVar (database versions not stated): gnomAD exomes below 0.00001.
gnomAD v4.1: 1 of 1,595,718 alleles (0.000063%); highest among the groups gnomAD compares: Non-Finnish European, 0.000086%; no homozygotes.

Submissions (4):

Ambry Genetics
Classification: Uncertain significance for Cardiovascular phenotype; Hereditary cancer-predisposing syndrome. Last evaluated: 2025-10-22. Review status: criteria provided, single submitter. Criteria: Ambry Variant Classification Scheme 2023. Collection method: clinical testing. Allele origin: germline.
Comment: The p.R1455H variant (also known as c.4364G>A), located in coding exon 32 of the NF1 gene, results from a G to A substitution at nucleotide position 4364. The arginine at codon 1455 is replaced by histidine, an amino acid with highly similar properties. This amino acid position is highly conserved in available vertebrate species. In addition, this alteration is predicted to be deleterious by in silico analysis. Since supporting evidence is limited at this time, the clinical significance of this alteration remains unclear.

Quest Diagnostics Nichols Institute San Juan Capistrano
Classification: Uncertain significance. Last evaluated: 2025-09-30. Review status: criteria provided, single submitter. Criteria: Quest Diagnostics criteria. Collection method: clinical testing. Allele origin: unknown.

GeneDx
Classification: Uncertain significance. Last evaluated: 2024-05-23. Review status: criteria provided, single submitter. Criteria: GeneDx Variant Classification Process June 2021. Collection method: clinical testing. Allele origin: germline. Affected: yes.
Comment: Not observed at significant frequency in large population cohorts (gnomAD); In silico analysis supports that this missense variant has a deleterious effect on protein structure/function; Has not been previously published as pathogenic or benign to our knowledge; This variant is associated with the following publications: (PMID: 22807134)

Labcorp Genetics (formerly Invitae), Labcorp
Classification: Uncertain significance for Neurofibromatosis, type 1. Last evaluated: 2024-04-30. Review status: criteria provided, single submitter. Criteria: Invitae Variant Classification Sherloc (09022015). Collection method: clinical testing. Allele origin: germline.
Comment: This sequence change replaces arginine, which is basic and polar, with histidine, which is basic and polar, at codon 1455 of the NF1 protein (p.Arg1455His). This variant is not present in population databases (gnomAD no frequency). This variant has not been reported in the literature in individuals affected with NF1-related conditions. ClinVar contains an entry for this variant (Variation ID: 484090). Advanced modeling of protein sequence and biophysical properties (such as structural, functional, and spatial information, amino acid conservation, physicochemical variation, residue mobility, and thermodynamic stability) performed at Invitae indicates that this missense variant is expected to disrupt NF1 protein function with a positive predictive value of 95%. In summary, the available evidence is currently insufficient to determine the role of this variant in disease. Therefore, it has been classified as a Variant of Uncertain Significance.

NM_001042492.3(NF1):c.4427G>A (p.Arg1476His)

Gene: NF1 (neurofibromin 1; plus strand). Cytogenetic location: 17q11.2.
Variant type: single nucleotide variant.
Coding change: c.4427G>A on transcript NM_001042492.3 (MANE Select); coding-DNA position 4427, G replaced by A.
Protein change: p.Arg1476His; replaces arginine 1476 with histidine.
Molecular consequence: missense variant.
Genome position (GRCh38, 1-based): chr17:31,259,126, G>A. VCF-style: chr17-31259126-G-A. GRCh37 (hg19) VCF-style: chr17-29586144-G-A.
Other names: c.4364G>A, p.Arg1455His (NM_000267.4); short protein forms R1455H, R1476H.
Identifiers: ClinVar variation 484090 (VCV000484090.11), dbSNP rs1555618691, ClinGen allele CA398999008.